The following is an entry in ClinVar:

NM_144999.4(LRRC45):c.1834C>G (p.Arg612Gly)

Gene: LRRC45 (leucine rich repeat containing 45; plus strand). Cytogenetic location: 17q25.3.
Variant type: single nucleotide variant.
Coding change: c.1834C>G on transcript NM_144999.4 (MANE Select); coding-DNA position 1834, C replaced by G.
Protein change: p.Arg612Gly; replaces arginine 612 with glycine.
Molecular consequence: missense variant.
Genome position (GRCh38, 1-based): chr17:82,030,626, C>G. VCF-style: chr17-82030626-C-G. GRCh37 (hg19) VCF-style: chr17-79988502-C-G.
Other names: c.1834C>G (NM_144999.3); short protein forms R612G.
Identifiers: ClinVar variation 3868526 (VCV003868526.2).

ClinVar aggregate classification (germline): Uncertain significance. Review status: criteria provided, multiple submitters, no conflicts (2 of 4 stars). 2 submissions from 2 submitters: Uncertain significance (2). Last evaluated 2026-01-29.

Conditions:
LRRC45-related disorder. Also called: LRRC45-related condition.

gnomAD v4.1: 58 of 1,403,608 alleles (0.0041%); highest among the groups gnomAD compares: Non-Finnish European, 0.005%; no homozygotes.

Submissions (2):

PreventionGenetics, part of Exact Sciences
Classification: Uncertain significance for LRRC45-related condition. Last evaluated: 2026-01-29. Review status: criteria provided, single submitter. Criteria: ACMG Guidelines, 2015. Collection method: clinical testing. Allele origin: germline.
Comment: The LRRC45 c.1834C>G variant is predicted to result in the amino acid substitution p.Arg612Gly. To our knowledge, this variant has not been reported in the literature. This variant is reported in 0.0072% of alleles in individuals of European (Non-Finnish) descent in gnomAD. At this time, the clinical significance of this variant is uncertain due to the absence of conclusive functional and genetic evidence.

Ambry Genetics
Classification: Uncertain significance. Last evaluated: 2024-12-11. Review status: criteria provided, single submitter. Criteria: Ambry Variant Classification Scheme 2023. Collection method: clinical testing. Allele origin: germline.